The following is an entry in ClinVar:

ClinVar aggregate classification (germline): Uncertain significance (1 of 4 stars; one submission).

Conditions:
Alpha thalassemia-X-linked intellectual disability syndrome (ATRX). Also called: ALPHA-THALASSEMIA/MENTAL RETARDATION SYNDROME, X-LINKED; ATR, NONDELETION TYPE; ATR-X syndrome; Alpha thalassemia mental retardation syndrome, nondeletion type, X-linked; XLMR hypotonic face syndrome; X-linked alpha-thalassemia-mental retardation syndrome. Identifiers: Orphanet 847, MedGen C1845055, MONDO:0010519, OMIM 301040.

Submission:

Labcorp Genetics (formerly Invitae), Labcorp
Classification: Uncertain significance for Alpha thalassemia-X-linked intellectual disability syndrome. Last evaluated: 2020-03-14. Review status: criteria provided, single submitter. Criteria: Invitae Variant Classification Sherloc (09022015). Collection method: clinical testing. Allele origin: germline.
Comment: This sequence change replaces arginine with lysine at codon 1554 of the ATRX protein (p.Arg1554Lys). The arginine residue is highly conserved and there is a small physicochemical difference between arginine and lysine. This variant is not present in population databases (ExAC no frequency). This variant has not been reported in the literature in individuals with ATRX-related conditions. Algorithms developed to predict the effect of missense changes on protein structure and function (SIFT, PolyPhen-2, Align-GVGD) all suggest that this variant is likely to be tolerated, but these predictions have not been confirmed by published functional studies and their clinical significance is uncertain. In summary, the available evidence is currently insufficient to determine the role of this variant in disease. Therefore, it has been classified as a Variant of Uncertain Significance.

NM_000489.6(ATRX):c.4661G>A (p.Arg1554Lys)

Gene: ATRX (ATRX chromatin remodeler; minus strand). Cytogenetic location: Xq21.1.
Variant type: single nucleotide variant.
Coding change: c.4661G>A on transcript NM_000489.6 (MANE Select); coding-DNA position 4661, G replaced by A.
Protein change: p.Arg1554Lys; replaces arginine 1554 with lysine.
Molecular consequence: missense variant.
Genome position (GRCh38, 1-based): chrX:77,635,953, C>T on the plus strand (G>A on the coding strand, the complement: ATRX is on the minus strand). VCF-style: chrX-77635953-C-T. GRCh37 (hg19) VCF-style: chrX-76891444-C-T.
Other names: c.4547G>A, p.Arg1516Lys (NM_138270.5); short protein forms R1516K, R1554K.
Identifiers: ClinVar variation 1061165 (VCV001061165.9), dbSNP rs2148358518, ClinGen allele CA413705709.
Genomic context (GRCh38, chrX:77,635,953, plus strand): 5'-GAATCATCTAATAGTTTCTTACCATCTACTTGATGGGGTTTCAATTTGATAACCATATTT[C>T]TATGAACCTGCACTAAAGGTTCTTTGGTTTCTTCATCTTCATCTAAAACCAACTTGGTTG-3'
Protein context (NP_000480.3, residues 1544-1564): ETKEPLVQVH[Arg1554Lys]NMVIKLKPHQ